The following is an entry in ClinVar:

NM_018052.5(VAC14):c.104+2T>G

Gene: VAC14 (VAC14 component of PIKFYVE complex; minus strand). Cytogenetic location: 16q22.2.
Variant type: single nucleotide variant.
Coding change: c.104+2T>G on transcript NM_018052.5 (MANE Select); the canonical splice donor site of the intron after coding-DNA position 104, T replaced by G.
Molecular consequence: splice donor variant.
Genome position (GRCh38, 1-based): chr16:70,800,795, A>C on the plus strand (T>G on the coding strand, the complement: VAC14 is on the minus strand). VCF-style: chr16-70800795-A-C. GRCh37 (hg19) VCF-style: chr16-70834698-A-C.
Other names: c.-448+2T>G (NM_001351157.2).
Identifiers: ClinVar variation 1805191 (VCV001805191.1), dbSNP rs1015359196, ClinGen allele CA396615110.

ClinVar aggregate classification (germline): Likely pathogenic (1 of 4 stars; one submission).

Conditions:
Striatonigral degeneration, childhood-onset (SNDC). Also called: LENK-PLOSKI SYNDROME. Identifiers: Orphanet 497906, MedGen C4310743, MONDO:0014889, OMIM 617054.

Allele frequency attached by ClinVar (database versions not stated): gnomAD exomes 0.00001.
gnomAD v4.1: 8 of 1,609,842 alleles (0.0005%); highest among the groups gnomAD compares: Non-Finnish European, 0.00068%; no homozygotes.

Submission:

Victorian Clinical Genetics Services, Murdoch Childrens Research Institute
Classification: Likely pathogenic for Striatonigral degeneration, childhood-onset. Last evaluated: 2022-02-02. Review status: criteria provided, single submitter. Criteria: ACMG Guidelines, 2015. Collection method: clinical testing. Allele origin: germline. Inheritance: Autosomal recessive inheritance. Affected: yes.
Comment: Based on the classification scheme VCGS_Germline_v1.3.4, this variant is classified as Likely Pathogenic. Following criteria are met: 0102 - Loss of function is a known mechanism of disease in this gene and is associated with striatonigral degeneration, childhood-onset (MIM#617054). (I) 0106 - This gene is associated with autosomal recessive disease. (I) 0211 - Canonical splice site variant without proven consequence on splicing (no functional evidence available). (SP) 0251 - This variant is heterozygous. (I) 0304 - Variant is present in gnomAD <0.01 for a recessive condition (v2: 1 heterozygote, 0 homozygotes). (SP) 0505 - Abnormal splicing is predicted by in silico tools and affected nucleotide is highly conserved. (SP) 0705 - No comparable splice site variants have previous evidence for pathogenicity. (I) 0807 - This variant has no previous evidence of pathogenicity. (I) 0905 - No published segregation evidence has been identified for this variant. (I) 1007 - No published functional evidence has been identified for this variant. (I) 1208 - Inheritance information for this variant is not currently available in this individual. (I) Legend: (SP) - Supporting pathogenic, (I) - Information, (SB) - Supporting benign